The following is an entry in ClinVar:

NM_001371727.1(GABRB2):c.1492_1493delinsTG (p.Val498Cys)

Gene: GABRB2 (gamma-aminobutyric acid type A receptor subunit beta2; minus strand). Cytogenetic location: 5q34.
Variant type: Indel.
Coding change: c.1492_1493delinsTG on transcript NM_001371727.1 (MANE Select); coding-DNA positions 1492 to 1493, GT replaced by TG.
Protein change: p.Val498Cys; replaces valine 498 with cysteine.
Molecular consequence: missense variant.
Genome position (GRCh38, 1-based): chr5:161,294,127-161,294,128, AC replaced by CA on the plus strand (GT replaced by TG on the coding strand, the reverse complement: GABRB2 is on the minus strand). VCF-style: chr5-161294127-AC-CA. GRCh37 (hg19) VCF-style: chr5-160721134-AC-CA.
Other names: c.1378_1379delinsTG, p.Val460Cys (NM_000813.3); c.1492_1493delinsTG, p.Val498Cys (NM_021911.3); short protein forms V460C, V498C.
Identifiers: ClinVar variation 4539884 (VCV004539884.1).
Genomic context (GRCh38, chr5:161,294,127, plus strand): 5'-TGGGAGGCCATGTTTTAGTTCACATAATAAAGCCAATAGACGATGTTGAAGAAGGAAAAA[AC>CA]CACTGGGAAGAATATGCGGGACCACCGATCTATGGCATTCACATCAGTCAAGTCAGGGAT-3'
Protein context (NP_001358656.1, residues 488-508): DRWSRIFFPV[Val498Cys]FSFFNIVYWL

ClinVar aggregate classification (germline): Uncertain significance (1 of 4 stars; one submission).

Submission:

GeneDx
Classification: Uncertain significance. Last evaluated: 2025-06-25. Review status: criteria provided, single submitter. Criteria: GeneDx Variant Classification Process June 2021. Collection method: clinical testing. Allele origin: germline. Affected: yes.
Comment: Not observed at significant frequency in large population cohorts (gnomAD); In silico analysis supports a deleterious effect on protein structure/function; Has not been previously published as pathogenic or benign to our knowledge